The following is an entry in ClinVar:

ClinVar aggregate classification (germline): Uncertain significance (1 of 4 stars; one submission).

gnomAD v4.1: 1 of 1,612,918 alleles (0.000062%); highest among the groups gnomAD compares: Non-Finnish European, 0.000085%; no homozygotes.

Submission:

GeneDx
Classification: Uncertain significance. Last evaluated: 2017-07-25. Review status: criteria provided, single submitter. Criteria: GeneDx Variant Classification (06012015). Collection method: clinical testing. Allele origin: germline. Affected: yes.
Comment: .p.Thr38Arg (ACA>AGA):c.113 C>G in exon 1 of the ADSL gene (NM_000026.2) The Thr38Arg missense change has not been published as a mutation, nor has it been reported as a benign polymorphism to our knowledge. The NHLBI ESP Exome Variant Project has not identified Thr38Arg in approximately 6,500 individuals of European or African American ethnicity, indicating that it is not a common benign variant in these populations. This amino acid substitution is non-conservative, as an uncharged Threonine residue is replaced by a positively charged Arginine residue. It alters a highly conserved position in the protein, and multiple in silico algorithms predict it may be damaging to protein structure/function. Therefore, based on the currently available information, it is unclear whether Thr38Arg is a disease-causing mutation or a rare benign variant. The variant is found in INFANT-EPI panel(s).

NM_000026.4(ADSL):c.113C>G (p.Thr38Arg)

Gene: ADSL (adenylosuccinate lyase; plus strand). Cytogenetic location: 22q13.1.
Variant type: single nucleotide variant.
Coding change: c.113C>G on transcript NM_000026.4 (MANE Select); coding-DNA position 113, C replaced by G.
Protein change: p.Thr38Arg; replaces threonine 38 with arginine.
Molecular consequence: missense variant. On other transcripts: non-coding transcript variant (1), intron variant (1).
Genome position (GRCh38, 1-based): chr22:40,346,671, C>G. VCF-style: chr22-40346671-C-G. GRCh37 (hg19) VCF-style: chr22-40742675-C-G.
Other names: p.T38R:ACA>AGA; c.113C>G, p.Thr38Arg (NM_001123378.3, NM_001363840.3); c.-40+15C>G (NM_001317923.2); short protein forms T38R.
Identifiers: ClinVar variation 204810 (VCV000204810.2), dbSNP rs747976292, ClinGen allele CA313134.